The following is an entry in ClinVar:

NM_000038.6(APC):c.1500T>A (p.Tyr500Ter)

Gene: APC (APC regulator of Wnt signaling pathway; plus strand). Cytogenetic location: 5q22.2.
Variant type: single nucleotide variant.
Coding change: c.1500T>A on transcript NM_000038.6 (MANE Select); coding-DNA position 1500, T replaced by A.
Protein change: p.Tyr500Ter; replaces tyrosine 500 with a stop codon.
Molecular consequence: nonsense.
Genome position (GRCh38, 1-based): chr5:112,827,199, T>A. VCF-style: chr5-112827199-T-A. GRCh37 (hg19) VCF-style: chr5-112162896-T-A.
Other names: c.1500T>A, p.Tyr500Ter (NM_001127510.3, NM_001354895.2); c.1446T>A, p.Tyr482Ter (NM_001127511.3); c.1554T>A, p.Tyr518Ter (NM_001354896.2); c.1530T>A, p.Tyr510Ter (NM_001354897.2); c.1425T>A, p.Tyr475Ter (NM_001354898.2); c.1416T>A, p.Tyr472Ter (NM_001354899.2); c.1377T>A, p.Tyr459Ter (NM_001354900.2); c.1323T>A, p.Tyr441Ter (NM_001354901.2); and 5 more; short protein forms Y482*, Y500*, Y374*, Y399*, Y472*, Y217*, Y340*, Y409*.
Identifiers: ClinVar variation 217929 (VCV000217929.22), dbSNP rs387906230, ClinGen allele CA248569.

ClinVar aggregate classification (germline): Pathogenic. Review status: criteria provided, multiple submitters, no conflicts (2 of 4 stars). 5 submissions from 5 submitters: Pathogenic (4). 1 of the submissions does not count toward it. Last evaluated 2023-11-29.

Conditions:
Hereditary cancer-predisposing syndrome. Also called: Hereditary Cancer Syndrome; Hereditary neoplastic syndrome; Neoplastic Syndromes, Hereditary; Tumor predisposition. Identifiers: Orphanet 140162, MedGen C0027672, MeSH D009386, MONDO:0015356.
Familial adenomatous polyposis 1 (FAP1). Also called: FAMILIAL ADENOMATOUS POLYPOSIS 1, ATTENUATED; POLYPOSIS, ADENOMATOUS INTESTINAL. Identifiers: MedGen C2713442, MONDO:0021056, OMIM 175100. Disease mechanism: loss of function.

Submissions (5):

Ambry Genetics
Classification: Pathogenic for Hereditary cancer-predisposing syndrome. Last evaluated: 2023-11-29. Review status: criteria provided, single submitter. Criteria: Ambry Variant Classification Scheme 2023. Collection method: clinical testing. Allele origin: germline.
Comment: The p.Y500* pathogenic mutation (also known as c.1500T>A), located in coding exon 11 of the APC gene, results from a T to A substitution at nucleotide position 1500. This changes the amino acid from a tyrosine to a stop codon within coding exon 11. This alteration has been detected in multiple individuals with a clinical diagnosis of Familial Adenomatous Polyposis (FAP) (Pawski A et al. Hered Cancer Clin Pract, 2007 Dec;5:195-8). This variant is considered to be rare based on population cohorts in the Genome Aggregation Database (gnomAD). In addition to the clinical data presented in the literature, this alteration is expected to result in loss of function by premature protein truncation or nonsense-mediated mRNA decay. As such, this alteration is interpreted as a disease-causing mutation.

Myriad Genetics, Inc.
Classification: Pathogenic for Familial adenomatous polyposis 1. Last evaluated: 2023-05-01. Review status: criteria provided, single submitter. Criteria: Myriad Autosomal Dominant, Autosomal Recessive and X-Linked Classification Criteria (2023). Collection method: clinical testing. Allele origin: unknown.
Comment: This variant is considered pathogenic. This variant creates a termination codon and is predicted to result in premature protein truncation.

Labcorp Genetics (formerly Invitae), Labcorp
Classification: Pathogenic for Familial adenomatous polyposis 1. Last evaluated: 2019-12-31. Review status: criteria provided, single submitter. Criteria: Invitae Variant Classification Sherloc (09022015). Collection method: clinical testing. Allele origin: germline.
Comment: This sequence change creates a premature translational stop signal (p.Tyr500*) in the APC gene. It is expected to result in an absent or disrupted protein product. For these reasons, this variant has been classified as Pathogenic. Loss-of-function variants in APC are known to be pathogenic (PMID: 17963004, 20685668). This variant has been observed in individuals with clinical features of familial adenomatous polyposis (PMID: 19725996). ClinVar contains an entry for this variant (Variation ID: 217929). This variant is not present in population databases (ExAC no frequency).

Color Diagnostics, LLC DBA Color Health
Classification: Pathogenic for Hereditary cancer-predisposing syndrome. Last evaluated: 2019-11-27. Review status: criteria provided, single submitter. Criteria: ACMG Guidelines, 2015. Collection method: clinical testing. Allele origin: germline.
Comment: This variant changes 1 nucleotide in exon 12 of the APC gene, creating a premature translation stop signal. This variant is expected to result in an absent or non-functional protein product. Splice site prediction tools suggest that this variant may not impact RNA splicing. To our knowledge, functional studies have not been performed for this variant. This variant has been reported in several individuals affected with Familial Adenomatous Polyposis (FAP) (PMID: 19029688, 19725996, 20007843). This variant has not been identified in the general population by the Genome Aggregation Database (gnomAD). Loss of APC function is a known mechanism of disease. Based on the available evidence, this variant is classified as Pathogenic.

Mayo Clinic Laboratories, Mayo Clinic
Classification: Pathogenic. Review status: no assertion criteria provided. Collection method: research. Allele origin: unknown. Observed: 1 variant allele. Not counted in ClinVar's aggregate classification.

Literature cited by the submitters: PubMed 19029688 (cited by Ambry Genetics); PubMed 19725996 (cited by Ambry Genetics and Labcorp Genetics (formerly Invitae), Labcorp); PubMed 23159591 (cited by Ambry Genetics); PubMed 17963004 (cited by Labcorp Genetics (formerly Invitae), Labcorp); PubMed 20685668 (cited by Labcorp Genetics (formerly Invitae), Labcorp).